The following is an entry in ClinVar:

NM_001379500.1(COL18A1):c.888_890dup (p.Ser296_Glu297insAsp)

Gene: COL18A1 (collagen type XVIII alpha 1 chain; plus strand). Cytogenetic location: 21q22.3.
Variant type: Duplication.
Coding change: c.888_890dup on transcript NM_001379500.1 (MANE Select); coding-DNA positions 888 to 890, 3 bases duplicated (TGA; older notation c.888_890dupTGA).
Protein change: p.Ser296_Glu297insAsp.
Molecular consequence: inframe insertion.
Genome position (GRCh38, 1-based): chr21:45,476,440-45,476,442, TGA duplicated. VCF-style (leftmost placement, unchanged base first): chr21-45476439-G-GTGA. GRCh37 (hg19) VCF-style: chr21-46896353-G-GTGA.
Other names: c.1428_1430dup, p.Ser476_Glu477insAsp (NM_030582.4); c.2133_2135dup, p.Ser711_Glu712insAsp (NM_130444.3).
Identifiers: ClinVar variation 1940139 (VCV001940139.2), dbSNP rs1332067925, ClinGen allele CA749792384.

ClinVar aggregate classification (germline): Uncertain significance (1 of 4 stars; one submission).

Allele frequency attached by ClinVar (database versions not stated): gnomAD exomes 0.00001; TOPMed 0.00001; gnomAD 0.00002.

Submission:

Labcorp Genetics (formerly Invitae), Labcorp
Classification: Uncertain significance. Last evaluated: 2022-05-13. Review status: criteria provided, single submitter. Criteria: Invitae Variant Classification Sherloc (09022015). Collection method: clinical testing. Allele origin: germline.
Comment: This variant, c.888_890dup, results in the insertion of 1 amino acid(s) of the COL18A1 protein (p.Ser296_Glu297insAsp), but otherwise preserves the integrity of the reading frame. This variant is not present in population databases (gnomAD no frequency). This variant has not been reported in the literature in individuals affected with COL18A1-related conditions. Experimental studies and prediction algorithms are not available or were not evaluated, and the functional significance of this variant is currently unknown. In summary, the available evidence is currently insufficient to determine the role of this variant in disease. Therefore, it has been classified as a Variant of Uncertain Significance.